The following is an entry in ClinVar:

NM_177438.3(DICER1):c.1589A>G (p.Lys530Arg)

Gene: DICER1 (dicer 1, ribonuclease III; minus strand). Cytogenetic location: 14q32.13.
Variant type: single nucleotide variant.
Coding change: c.1589A>G on transcript NM_177438.3 (MANE Select); coding-DNA position 1589, A replaced by G.
Protein change: p.Lys530Arg; replaces lysine 530 with arginine.
Molecular consequence: missense variant.
Genome position (GRCh38, 1-based): chr14:95,116,616, T>C on the plus strand (A>G on the coding strand, the complement: DICER1 is on the minus strand). VCF-style: chr14-95116616-T-C. GRCh37 (hg19) VCF-style: chr14-95582953-T-C.
Other names: c.1589A>G, p.Lys530Arg (NM_001195573.1, NM_001271282.3, NM_001291628.2 and 1 more transcripts); short protein forms K530R.
Identifiers: ClinVar variation 582584 (VCV000582584.10), dbSNP rs1566790400, ClinGen allele CA390885012.

ClinVar aggregate classification (germline): Uncertain significance (1 of 4 stars; one submission).

Conditions:
DICER1-related tumor predisposition. Also called: DICER1 syndrome; DICER1-related pleuropulmonary blastoma cancer predisposition syndrome. Identifiers: Orphanet 284343, MedGen C3839822, MONDO:0100216.

Submission:

Labcorp Genetics (formerly Invitae), Labcorp
Classification: Uncertain significance for DICER1-related tumor predisposition. Last evaluated: 2018-05-10. Review status: criteria provided, single submitter. Criteria: Invitae Variant Classification Sherloc (09022015). Collection method: clinical testing. Allele origin: germline.
Comment: In summary, the available evidence is currently insufficient to determine the role of this variant in disease. Therefore, it has been classified as a Variant of Uncertain Significance. Algorithms developed to predict the effect of missense changes on protein structure and function do not agree on the potential impact of this missense change (SIFT: "Tolerated"; PolyPhen-2: "Probably Damaging"; Align-GVGD: "Class C0"). This variant has not been reported in the literature in individuals with DICER1-related disease. This variant is not present in population databases (ExAC no frequency). This sequence change replaces lysine with arginine at codon 530 of the DICER1 protein (p.Lys530Arg). The lysine residue is highly conserved and there is a small physicochemical difference between lysine and arginine.